The following is an entry in ClinVar:

ClinVar aggregate classification (germline): Uncertain significance (1 of 4 stars; one submission).

gnomAD v4.1: 10 of 1,610,384 alleles (0.00062%); highest among the groups gnomAD compares: African/African-American, 0.008%; no homozygotes.

Submission:

Women's Health and Genetics/Laboratory Corporation of America, LabCorp
Classification: Uncertain significance. Last evaluated: 2025-09-08. Review status: criteria provided, single submitter. Criteria: LabCorp Variant Classification Summary - May 2015. Collection method: clinical testing. Allele origin: germline.
Comment: Variant summary: ASXL2 c.3941C>G (p.Pro1314Arg) results in a non-conservative amino acid change in the encoded protein sequence. Algorithms developed to predict the effect of missense changes on protein structure and function are either unavailable or do not agree on the potential impact of this missense change. The variant allele was found at a frequency of 8.2e-06 in 243210 control chromosomes. The available data on variant occurrences in the general population are insufficient to allow any conclusion about variant significance. To our knowledge, no occurrence of c.3941C>G in individuals affected with ASXL2-related conditions and no experimental evidence demonstrating its impact on protein function have been reported. No submitters have cited clinical-significance assessments for this variant to ClinVar. Based on the evidence outlined above, the variant was classified as uncertain significance.

NM_018263.6(ASXL2):c.3941C>G (p.Pro1314Arg)

Gene: ASXL2 (ASXL transcriptional regulator 2; minus strand). Cytogenetic location: 2p23.3.
Variant type: single nucleotide variant.
Coding change: c.3941C>G on transcript NM_018263.6 (MANE Select); coding-DNA position 3941, C replaced by G.
Protein change: p.Pro1314Arg; replaces proline 1314 with arginine.
Molecular consequence: missense variant.
Genome position (GRCh38, 1-based): chr2:25,742,396, G>C on the plus strand (C>G on the coding strand, the complement: ASXL2 is on the minus strand). VCF-style: chr2-25742396-G-C. GRCh37 (hg19) VCF-style: chr2-25965265-G-C.
Other names: c.3767C>G, p.Pro1256Arg (NM_001369346.1); c.3161C>G, p.Pro1054Arg (NM_001369347.1); short protein forms P1054R, P1256R, P1314R.
Identifiers: ClinVar variation 4535667 (VCV004535667.1).
Genomic context (GRCh38, chr2:25,742,396, plus strand): 5'-GAGACATTGATCATGCCTCTATAGCTTGGCCCTATCTGGGTGGGGCTTCCATACAACTTC[G>C]GGGTTTGCAGGGGTGGAAGGAGTAGGGGCTGGTGGGTGGGGCTGTCTGCAGGCAGAGGAA-3'
Protein context (NP_060733.4, residues 1304-1324): QPLLLPPLQT[Pro1314Arg]KLYGSPTQIG